The following is an entry in ClinVar:

ClinVar aggregate classification (germline): Uncertain significance (1 of 4 stars; one submission).

Conditions:
Familial hemophagocytic lymphohistiocytosis 3 (FHL3). Also called: UNC13D-Related Familial Hemophagocytic Lymphohistiocytosis (UNC13D-fHLH). Identifiers: Orphanet 540, MedGen C1837174, MONDO:0012146, OMIM 608898.

Allele frequency attached by ClinVar (database versions not stated): gnomAD exomes below 0.00001; gnomAD 0.00001; TOPMed 0.00001.
gnomAD v4.1: 14 of 1,611,186 alleles (0.00087%); highest among the groups gnomAD compares: East Asian, 0.0022%; no homozygotes.

Submission:

Labcorp Genetics (formerly Invitae), Labcorp
Classification: Uncertain significance for Familial hemophagocytic lymphohistiocytosis 3. Last evaluated: 2022-04-09. Review status: criteria provided, single submitter. Criteria: Invitae Variant Classification Sherloc (09022015). Collection method: clinical testing. Allele origin: germline.
Comment: This sequence change replaces arginine, which is basic and polar, with cysteine, which is neutral and slightly polar, at codon 66 of the UNC13D protein (p.Arg66Cys). This variant is present in population databases (no rsID available, gnomAD 0.002%). This missense change has been observed in individual(s) with hemophagocytic lymphohistiocytosis (PMID: 29665027). Algorithms developed to predict the effect of missense changes on protein structure and function are either unavailable or do not agree on the potential impact of this missense change (SIFT: "Not Available"; PolyPhen-2: "Probably Damaging"; Align-GVGD: "Not Available"). In summary, the available evidence is currently insufficient to determine the role of this variant in disease. Therefore, it has been classified as a Variant of Uncertain Significance.

Literature cited by the submitters: PubMed 29665027.

NM_199242.3(UNC13D):c.196C>T (p.Arg66Cys)

Gene: UNC13D (unc-13 homolog D; minus strand). Cytogenetic location: 17q25.1.
Variant type: single nucleotide variant.
Coding change: c.196C>T on transcript NM_199242.3 (MANE Select); coding-DNA position 196, C replaced by T.
Protein change: p.Arg66Cys; replaces arginine 66 with cysteine.
Molecular consequence: missense variant.
Genome position (GRCh38, 1-based): chr17:75,843,224, G>A on the plus strand (C>T on the coding strand, the complement: UNC13D is on the minus strand). VCF-style: chr17-75843224-G-A. GRCh37 (hg19) VCF-style: chr17-73839305-G-A.
Other names: short protein forms R66C.
Identifiers: ClinVar variation 1408158 (VCV001408158.5), dbSNP rs996214730, ClinGen allele CA294090223.
Genomic context (GRCh38, chr17:75,843,224, plus strand): 5'-GCAGGTATCGCAGCAGCTCAGAGGCCTCCGTCACATGGTTGGGCTCAGGATGACCCAGGC[G>A]GTGCAAGACAGTGTAGAGTGCGTCCTCGTAGAGCAGGGCCCGCTAAGACACACGGGGTCA-3'
Protein context (NP_954712.1, residues 56-76): YEDALYTVLH[Arg66Cys]LGHPEPNHVT